The following is an entry in ClinVar:

ClinVar aggregate classification (germline): Likely benign. Review status: criteria provided, multiple submitters, no conflicts (2 of 4 stars). 7 submissions from 7 submitters: Likely benign (4). 3 of the submissions do not count toward it. Last evaluated 2026-09-01.

Conditions:
COL6A2-related disorder.
Myosclerosis. Also called: Myosclerosis, congenital; MYOPATHY, MYOSCLEROTIC; MYOSCLEROSIS, CONGENITAL, OF LOWENTHAL. Identifiers: Orphanet 289380, MedGen C1850671, MONDO:0009714, OMIM 255600.
Bethlem myopathy 1A. Also called: Bethlem Muscular Dystrophy; MYOPATHY, BENIGN CONGENITAL, WITH CONTRACTURES; Bethlem myopathy 1. Identifiers: Orphanet 610, MedGen CN029274, MONDO:0024530, OMIM 158810.
Ullrich congenital muscular dystrophy 1A. Also called: Intermediate COL6-RD; Ullrich congenital muscular dystrophy 1. Identifiers: Orphanet 75840, MedGen C0410179, MONDO:0009681, OMIM 254090.

Allele frequency attached by ClinVar (database versions not stated): 1000 Genomes Project 30x 0.00156; 1000 Genomes Project 0.00180; ExAC 0.00512; gnomAD 0.00515 and 0.00540; gnomAD exomes 0.00517 and 0.00778; TOPMed 0.00526; ESP Exome Variant Server 0.00738.
gnomAD v4.1: 12,000 of 1,613,024 alleles (0.74%); highest among the groups gnomAD compares: Non-Finnish European, 0.93%; 58 homozygotes.

Submissions (7):

CeGaT Center for Human Genetics Tuebingen
Classification: Likely benign. Last evaluated: 2026-09-01. Review status: criteria provided, single submitter. Criteria: CeGaT Center For Human Genetics Tuebingen Variant Classification Criteria Version 2. Collection method: clinical testing. Allele origin: germline. Affected: yes. Observed: 48 variant alleles.
Comment: COL6A2: BP4, BP7, BS2

Fulgent Genetics
Classification: Likely benign for Bethlem myopathy 1A; Ullrich congenital muscular dystrophy 1A; Myosclerosis. Last evaluated: 2021-08-24. Review status: criteria provided, single submitter. Criteria: ACMG Guidelines, 2015. Collection method: clinical testing. Allele origin: unknown.

GeneDx
Classification: Likely benign. Last evaluated: 2020-04-30. Review status: criteria provided, single submitter. Criteria: GeneDx Variant Classification Process June 2021. Collection method: clinical testing. Allele origin: germline. Affected: yes.

Breakthrough Genomics
Classification: Likely benign. Review status: criteria provided, single submitter. Criteria: ACMG Guidelines, 2015. Collection method: not provided. Allele origin: germline. Inheritance: Autosomal recessive inheritance. Affected: yes.

PreventionGenetics, part of Exact Sciences
Classification: Benign for COL6A2-related condition. Last evaluated: 2022-03-21. Review status: no assertion criteria provided. Collection method: clinical testing. Allele origin: germline. Not counted in ClinVar's aggregate classification.
Comment: This variant is classified as benign based on ACMG/AMP sequence variant interpretation guidelines (Richards et al. 2015 PMID: 25741868, with internal and published modifications).

Clinical Genetics, Academic Medical Center
Classification: Likely benign. Review status: no assertion criteria provided. Collection method: clinical testing. Allele origin: germline. Affected: yes. Study: VKGL Data-share Consensus. Not counted in ClinVar's aggregate classification.

Laboratory of Diagnostic Genome Analysis, Leiden University Medical Center (LUMC)
Classification: Likely benign. Review status: no assertion criteria provided. Collection method: clinical testing. Allele origin: germline. Affected: yes. Study: VKGL Data-share Consensus. Not counted in ClinVar's aggregate classification.

NM_058174.3(COL6A2):c.2649C>T (p.Phe883=)

Gene: COL6A2 (collagen type VI alpha 2 chain; plus strand). Cytogenetic location: 21q22.3.
Variant type: single nucleotide variant.
Coding change: c.2649C>T on transcript NM_058174.3 (MANE Plus Clinical); coding-DNA position 2649, C replaced by T.
Protein change: p.Phe883=; no amino-acid change (phenylalanine 883 retained).
Molecular consequence: synonymous variant. On other transcripts: 3 prime UTR variant (1), intron variant (1).
Genome position (GRCh38, 1-based): chr21:46,129,383, C>T. VCF-style: chr21-46129383-C-T. GRCh37 (hg19) VCF-style: chr21-47549297-C-T.
Other names: c.*455C>T (NM_058175.3); c.2462-2571C>T (NM_001849.4).
Identifiers: ClinVar variation 262302 (VCV000262302.34), dbSNP rs149172490, ClinGen allele CA10072808.